The following is an entry in ClinVar:

ClinVar aggregate classification (germline): Uncertain significance (1 of 4 stars; one submission).

Conditions:
PCNT-related disorder. Also called: PCNT-related condition.

gnomAD v4.1: 1 of 1,613,990 alleles (0.000062%); highest among the groups gnomAD compares: Admixed American, 0.0017%; no homozygotes.

Submission:

PreventionGenetics, part of Exact Sciences
Classification: Uncertain significance for PCNT-related condition. Last evaluated: 2026-04-07. Review status: criteria provided, single submitter. Criteria: ACMG Guidelines, 2015. Collection method: clinical testing. Allele origin: germline.
Comment: The PCNT c.4646A>G variant is predicted to result in the amino acid substitution p.Gln1549Arg. To our knowledge, this variant has not been reported in the literature or in a large population database (gnomAD), indicating this variant is rare. At this time, the clinical significance of this variant is uncertain due to the absence of conclusive functional and genetic evidence.

NM_006031.6(PCNT):c.4646A>G (p.Gln1549Arg)

Gene: PCNT (pericentrin; plus strand). Cytogenetic location: 21q22.3.
Variant type: single nucleotide variant.
Coding change: c.4646A>G on transcript NM_006031.6 (MANE Select); coding-DNA position 4646, A replaced by G.
Protein change: p.Gln1549Arg; replaces glutamine 1549 with arginine.
Molecular consequence: missense variant.
Genome position (GRCh38, 1-based): chr21:46,399,651, A>G. VCF-style: chr21-46399651-A-G. GRCh37 (hg19) VCF-style: chr21-47819565-A-G.
Other names: c.4292A>G, p.Gln1431Arg (NM_001315529.2); short protein forms Q1549R, Q1431R.
Identifiers: ClinVar variation 4986769 (VCV004986769.1).